The following is an entry in ClinVar:

ClinVar aggregate classification (germline): Benign/Likely benign. Review status: criteria provided, multiple submitters, no conflicts (2 of 4 stars). 14 submissions from 14 submitters: Benign (5); Likely benign (5). 4 of the submissions do not count toward it. Last evaluated 2026-01-01.

Conditions:
PKD1-related disorder. Also called: PKD1-related condition.
Autosomal dominant polycystic kidney disease. Identifiers: Orphanet 730, MedGen C0085413, MONDO:0004691.
Polycystic kidney disease, adult type (PKD1). Also called: POLYCYSTIC KIDNEY DISEASE 1 WITH OR WITHOUT POLYCYSTIC LIVER DISEASE; Polycystic Kidney Disease 1, Autosomal Dominant; Polycystic kidney disease 1; Polycystic kidney disease 1, severe; Polycystic Kidney, Autosomal Dominant; POLYCYSTIC KIDNEY DISEASE, ADULT, TYPE I. Identifiers: MedGen C3149841, MONDO:0008263, OMIM 173900.
Polycystic kidney disease. Also called: Kidney, Polycystic; Polycystic kidney dysplasia. Identifiers: MedGen C0022680, MeSH D007690, MONDO:0020642, HP:0000113.

Allele frequency attached by ClinVar (database versions not stated): 1000 Genomes Project 30x 0.00671; 1000 Genomes Project 0.00719; gnomAD 0.00811; TOPMed 0.00938; ESP Exome Variant Server 0.01004; gnomAD exomes 0.01125; ExAC 0.01792.
gnomAD v4.1: 21,491 of 1,568,720 alleles (1.4%); highest among the groups gnomAD compares: Non-Finnish European, 1.6%; 167 homozygotes.

Submissions (14):

CeGaT Center for Human Genetics Tuebingen
Classification: Benign. Last evaluated: 2026-01-01. Review status: criteria provided, single submitter. Criteria: CeGaT Center For Human Genetics Tuebingen Variant Classification Criteria Version 2. Collection method: clinical testing. Allele origin: germline. Affected: yes. Observed: 11 variant alleles.
Comment: PKD1: BP4, BS1, BS2

Women's Health and Genetics/Laboratory Corporation of America, LabCorp
Classification: Likely benign. Last evaluated: 2025-06-16. Review status: criteria provided, single submitter. Criteria: LabCorp Variant Classification Summary - May 2015. Collection method: clinical testing. Allele origin: germline.

Blueprint Genetics
Classification: Benign. Last evaluated: 2024-11-27. Review status: criteria provided, single submitter. Criteria: ACMG Guidelines, 2015. Collection method: clinical testing. Allele origin: germline.

Mayo Clinic Laboratories, Mayo Clinic
Classification: Benign. Last evaluated: 2023-04-18. Review status: criteria provided, single submitter. Criteria: ACMG Guidelines, 2015. Collection method: clinical testing. Allele origin: germline. Observed: 18 variant alleles.
Comment: BS1, BS2, BP4

Fulgent Genetics
Classification: Likely benign for Polycystic kidney disease, adult type. Last evaluated: 2022-03-15. Review status: criteria provided, single submitter. Criteria: ACMG Guidelines, 2015. Collection method: clinical testing. Allele origin: unknown.

ARUP Laboratories, Molecular Genetics and Genomics, ARUP Laboratories
Classification: Benign for Polycystic kidney disease, adult type. Last evaluated: 2019-12-02. Review status: criteria provided, single submitter. Criteria: ARUP Molecular Germline Variant Investigation Process. Collection method: clinical testing. Allele origin: germline.

GeneDx
Classification: Benign. Last evaluated: 2019-12-02. Review status: criteria provided, single submitter. Criteria: GeneDx Variant Classification Process June 2021. Collection method: clinical testing. Allele origin: germline. Affected: yes.
Comment: This variant is associated with the following publications: (PMID: 22383692, 17574468, 18791038, 12842373, 18837007, 26632257, 27499327, 32823016)

Molecular Genetics of Inherited Kidney Disorders Laboratory, Garvan Institute of Medical Research
Classification: Likely benign for Autosomal dominant polycystic kidney disease. Last evaluated: 2019-01-01. Review status: criteria provided, single submitter. Criteria: ACMG Guidelines, 2015. Collection method: research. Allele origin: germline. Affected: yes.

Laboratory for Molecular Medicine, Mass General Brigham Personalized Medicine
Classification: Likely benign. Last evaluated: 2016-03-28. Review status: criteria provided, single submitter. Criteria: LMM Criteria. Collection method: clinical testing. Allele origin: germline.
Comment: Variant identified in a genome or exome case(s) and assessed due to predicted null impact of the variant or pathogenic assertions in the literature or databases. Disclaimer: This variant has not undergone full assessment. The following are preliminary notes: frequency

Breakthrough Genomics
Classification: Likely benign. Review status: criteria provided, single submitter. Criteria: ACMG Guidelines, 2015. Collection method: not provided. Allele origin: germline. Inheritance: Autosomal dominant inheritance. Affected: yes.

PreventionGenetics, part of Exact Sciences
Classification: Benign for PKD1-related condition. Last evaluated: 2019-09-05. Review status: no assertion criteria provided. Collection method: clinical testing. Allele origin: germline. Not counted in ClinVar's aggregate classification.
Comment: This variant is classified as benign based on ACMG/AMP sequence variant interpretation guidelines (Richards et al. 2015 PMID: 25741868, with internal and published modifications).

Department of Pathology and Laboratory Medicine, Sinai Health System
Classification: Benign for Polycystic Kidney disease. Review status: no assertion criteria provided. Collection method: clinical testing. Allele origin: unknown. Affected: yes. Study: The Canadian Open Genetics Repository (COGR). Not counted in ClinVar's aggregate classification.
Comment: The PKD1 p.Arg2200Cys variant was identified in 10 of 678 proband chromosomes (frequency: 0.015) from Chinese and North American individuals or families with ADPKD (Liu 2015, Garcia-Gonzalez 2007, Rossetti, Tan 2009). The variant was identified with co-occurring pathogenic PKD1 variants (N116fsX and IVS24+5G>C), in 2 individuals who each had 5-7 identified variants, increasing the likelihood that the p.Arg2200Cys variant does not have clinical significance (Garcia-Gonzalez 2007). The variant was also identified in dbSNP (ID: rs140869992) as â€šÃ„ÃºNAâ€šÃ„Ã¹, ADPKD Mutation Database (classification â€šÃ„Ãºlikely neutralâ€šÃ„Ã¹), in the 1000 Genomes Project in 36 of 5000 chromosomes (frequency: 0.0072), HAP-MAP populations: EUR in 17 of 1006 chromosomes (frequency: 0.0169), SAS in 15 of 978 chromosomes (frequency: 0.0153), AMR in 4 of 694 chromosomes (frequency: 0.0058), in NHLBI GO Exome Sequencing Project in 113 of 8182 (frequency: 0.0138) European American alleles, in 11 of 4170 African American alleles (frequency: 0.0026), and in all populations in the Exome Aggregation Consortium database (March 14 2016) in 755 of 42138 alleles (frequency 0.018) or in European (Non-Finnish) in 534 (1 homozygous) of 20712 (frequency: 0.0258), other populations in 6 of 314 (frequency: 0.0191), South Asian in 160 (1 homozygous) of 10450 (frequency: 0.0015), Latino in 36 of 2818 (frequency: 0.0128), European (Finnish) in 7 of 1456 (frequency: 0.0048), African in 11 of 3512 (frequency: 0.0003), and East Asian in 1 of 2876 alleles (frequency: 00003), increasing the likelihood this could be a low frequency benign variant. The p.Arg2200residue is conserved in mammals and computational analyses (PolyPhen-2, SIFT, AlignGVGD, BLOSUM, MutationTaster) provide inconsistent predictions regarding the impact to the protein; this information is not very predictive of pathogenicity. The variant occurs outside of the splicing consensus sequence and 2 of 5 in silico or computational prediction software programs (SpliceSiteFinder, MaxEntScan, NNSPLICE, GeneSplicer, HumanSpliceFinder) predict a greater than 10% difference in splicing; this is not very predictive of pathogenicity. In summary, based on the above information, this variant meets our laboratory criteria to be classified as benign.

Genome Diagnostics Laboratory, University Medical Center Utrecht
Classification: Benign. Review status: no assertion criteria provided. Collection method: clinical testing. Allele origin: germline. Affected: yes. Study: VKGL Data-share Consensus. Not counted in ClinVar's aggregate classification.

Laboratory of Diagnostic Genome Analysis, Leiden University Medical Center (LUMC)
Classification: Benign. Review status: no assertion criteria provided. Collection method: clinical testing. Allele origin: germline. Affected: yes. Study: VKGL Data-share Consensus. Not counted in ClinVar's aggregate classification.

NM_001009944.3(PKD1):c.6598C>T (p.Arg2200Cys)

Gene: PKD1 (polycystin 1, transient receptor potential channel interacting; minus strand). Cytogenetic location: 16p13.3.
Variant type: single nucleotide variant.
Coding change: c.6598C>T on transcript NM_001009944.3 (MANE Select); coding-DNA position 6598, C replaced by T.
Protein change: p.Arg2200Cys; replaces arginine 2200 with cysteine.
Molecular consequence: missense variant.
Genome position (GRCh38, 1-based): chr16:2,108,569, G>A on the plus strand (C>T on the coding strand, the complement: PKD1 is on the minus strand). VCF-style: chr16-2108569-G-A. GRCh37 (hg19) VCF-style: chr16-2158570-G-A.
Other names: c.6598C>T, p.Arg2200Cys (NM_000296.4); short protein forms R2200C.
Identifiers: ClinVar variation 256990 (VCV000256990.53), dbSNP rs140869992, ClinGen allele CA7831547.